The following is an entry in ClinVar:

ClinVar aggregate classification (germline): Likely benign (1 of 4 stars; one submission).

gnomAD v4.1: 1 of 1,614,026 alleles (0.000062%); highest among the groups gnomAD compares: Non-Finnish European, 0.000085%; no homozygotes.

Submission:

Mayo Clinic Laboratories, Mayo Clinic
Classification: Likely benign. Last evaluated: 2025-05-12. Review status: criteria provided, single submitter. Criteria: ACMG Guidelines, 2015. Collection method: clinical testing. Allele origin: germline. Observed: 1 variant allele.
Comment: BP4, BP7

NM_017872.5(THG1L):c.816A>T (p.Thr272=)

Gene: THG1L (tRNA-histidine guanylyltransferase 1 like; plus strand). Cytogenetic location: 5q33.3.
Variant type: single nucleotide variant.
Coding change: c.816A>T on transcript NM_017872.5 (MANE Select); coding-DNA position 816, A replaced by T.
Protein change: p.Thr272=; no amino-acid change (threonine 272 retained).
Molecular consequence: synonymous variant.
Genome position (GRCh38, 1-based): chr5:157,739,401, A>T. VCF-style: chr5-157739401-A-T. GRCh37 (hg19) VCF-style: chr5-157166409-A-T.
Other names: p.Thr272=; c.420A>T, p.Thr140= (NM_001317824.2); c.441A>T, p.Thr147= (NM_001317825.2); c.630A>T, p.Thr210= (NM_001317826.2).
Identifiers: ClinVar variation 4684876 (VCV004684876.1).